The following is an entry in ClinVar:

NM_002900.3(RBP3):c.2210A>G (p.Glu737Gly)

Gene: RBP3 (retinol binding protein 3; plus strand). Cytogenetic location: 10q11.22.
Variant type: single nucleotide variant.
Coding change: c.2210A>G on transcript NM_002900.3 (MANE Select); coding-DNA position 2210, A replaced by G.
Protein change: p.Glu737Gly; replaces glutamic acid 737 with glycine.
Molecular consequence: missense variant.
Genome position (GRCh38, 1-based): chr10:47,350,694, A>G. VCF-style: chr10-47350694-A-G. GRCh37 (hg19) VCF-style: chr10-48388668-T-C.
Other names: c.2210A>G (NM_002900.2); short protein forms E737G.
Identifiers: ClinVar variation 1062804 (VCV001062804.10), dbSNP rs1276428832, ClinGen allele CA376672445.

ClinVar aggregate classification (germline): Uncertain significance. Review status: criteria provided, multiple submitters, no conflicts (2 of 4 stars). 2 submissions from 2 submitters: Uncertain significance (2). Last evaluated 2025-03-28.

Conditions:
Inborn genetic diseases. Identifiers: MedGen C0950123, MeSH D030342.

Allele frequency attached by ClinVar (database versions not stated): gnomAD exomes below 0.00001 and 0.00001; gnomAD 0.00001; TOPMed 0.00002.
gnomAD v4.1: 4 of 1,612,950 alleles (0.00025%); highest among the groups gnomAD compares: African/African-American, 0.0053%; no homozygotes.

Submissions (2):

Ambry Genetics
Classification: Uncertain significance for Inborn genetic diseases. Last evaluated: 2025-03-28. Review status: criteria provided, single submitter. Criteria: Ambry Variant Classification Scheme 2023. Collection method: clinical testing. Allele origin: germline.

Labcorp Genetics (formerly Invitae), Labcorp
Classification: Uncertain significance. Last evaluated: 2022-01-13. Review status: criteria provided, single submitter. Criteria: Invitae Variant Classification Sherloc (09022015). Collection method: clinical testing. Allele origin: germline.
Comment: This variant has not been reported in the literature in individuals affected with RBP3-related conditions. The frequency data for this variant in the population databases is considered unreliable, as metrics indicate poor data quality at this position in the gnomAD database. This sequence change replaces glutamic acid, which is acidic and polar, with glycine, which is neutral and non-polar, at codon 737 of the RBP3 protein (p.Glu737Gly). ClinVar contains an entry for this variant (Variation ID: 1062804). In summary, the available evidence is currently insufficient to determine the role of this variant in disease. Therefore, it has been classified as a Variant of Uncertain Significance. Algorithms developed to predict the effect of missense changes on protein structure and function are either unavailable or do not agree on the potential impact of this missense change (SIFT: "Deleterious"; PolyPhen-2: "Benign"; Align-GVGD: "Class C0").